The following is an entry in ClinVar:

ClinVar aggregate classification (germline): Uncertain significance (1 of 4 stars; one submission).

Conditions:
Rhabdoid tumor predisposition syndrome 2 (RTPS2). Identifiers: Orphanet 231108, Orphanet 69077, MedGen C2750074, MONDO:0013224, OMIM 613325.

Submission:

Labcorp Genetics (formerly Invitae), Labcorp
Classification: Uncertain significance for Rhabdoid tumor predisposition syndrome 2. Last evaluated: 2023-08-30. Review status: criteria provided, single submitter. Criteria: Invitae Variant Classification Sherloc (09022015). Collection method: clinical testing. Allele origin: germline.
Comment: In summary, the available evidence is currently insufficient to determine the role of this variant in disease. Therefore, it has been classified as a Variant of Uncertain Significance. Advanced modeling of protein sequence and biophysical properties (such as structural, functional, and spatial information, amino acid conservation, physicochemical variation, residue mobility, and thermodynamic stability) performed at Invitae indicates that this missense variant is expected to disrupt SMARCA4 protein function. This sequence change replaces aspartic acid, which is acidic and polar, with glycine, which is neutral and non-polar, at codon 866 of the SMARCA4 protein (p.Asp866Gly). This variant is not present in population databases (gnomAD no frequency). This variant has not been reported in the literature in individuals affected with SMARCA4-related conditions.

NM_003072.5(SMARCA4):c.2597A>G (p.Asp866Gly)

Gene: SMARCA4 (SWI/SNF related BAF chromatin remodeling complex subunit ATPase 4; plus strand). Cytogenetic location: 19p13.2.
Variant type: single nucleotide variant.
Coding change: c.2597A>G on transcript NM_003072.5 (MANE Select); coding-DNA position 2597, A replaced by G.
Protein change: p.Asp866Gly; replaces aspartic acid 866 with glycine.
Molecular consequence: missense variant. On other transcripts: non-coding transcript variant (1).
Genome position (GRCh38, 1-based): chr19:11,019,682, A>G. VCF-style: chr19-11019682-A-G. GRCh37 (hg19) VCF-style: chr19-11130358-A-G.
Other names: c.2597A>G, p.Asp866Gly (NM_001128844.3, NM_001128845.2, NM_001128846.2 and 6 more transcripts); short protein forms D866G.
Identifiers: ClinVar variation 2756467 (VCV002756467.3), dbSNP rs2146376121, ClinGen allele CA404054751.